The following is an entry in ClinVar:

NM_002764.4(PRPS1):c.*1T>C

Gene: PRPS1 (phosphoribosyl pyrophosphate synthetase 1; plus strand). Cytogenetic location: Xq22.3.
Variant type: single nucleotide variant.
Coding change: c.*1T>C on transcript NM_002764.4 (MANE Select); 1 bases downstream of the stop codon, T replaced by C.
Molecular consequence: 3 prime UTR variant.
Genome position (GRCh38, 1-based): chrX:107,650,033, T>C. VCF-style: chrX-107650033-T-C. GRCh37 (hg19) VCF-style: chrX-106893263-T-C.
Other names: c.*1T>C (NM_001204402.2).
Identifiers: ClinVar variation 4987562 (VCV004987562.1).

ClinVar aggregate classification (germline): Likely benign (1 of 4 stars; one submission).

Conditions:
PRPS1-related disorder. Also called: PRPS1-related condition.

gnomAD v4.1: 2 of 1,211,883 alleles (0.00017%); highest among the groups gnomAD compares: Admixed American, 0.0022%; no homozygotes.

Submission:

PreventionGenetics, part of Exact Sciences
Classification: Likely benign for PRPS1-related condition. Last evaluated: 2024-11-15. Review status: criteria provided, single submitter. Criteria: ACMG Guidelines, 2015. Collection method: clinical testing. Allele origin: germline.
Comment: This variant is classified as likely benign based on ACMG/AMP sequence variant interpretation guidelines (Richards et al. 2015 PMID: 25741868, with internal and published modifications).